The following is an entry in ClinVar:

NM_001101.5(ACTB):c.985-6C>T

Gene: ACTB (actin beta; minus strand). Cytogenetic location: 7p22.1.
Variant type: single nucleotide variant.
Coding change: c.985-6C>T on transcript NM_001101.5 (MANE Select); 6 bases into the intron before coding-DNA position 985, C replaced by T.
Molecular consequence: intron variant.
Genome position (GRCh38, 1-based): chr7:5,527,897, G>A on the plus strand (C>T on the coding strand, the complement: ACTB is on the minus strand). VCF-style: chr7-5527897-G-A. GRCh37 (hg19) VCF-style: chr7-5567528-G-A.
Other names: p.?; c.985-6C>T (LRG_132t1).
Identifiers: ClinVar variation 383008 (VCV000383008.21), dbSNP rs182943508, ClinGen allele CA4146854.

ClinVar aggregate classification (germline): Benign/Likely benign. Review status: criteria provided, multiple submitters, no conflicts (2 of 4 stars). 8 submissions from 7 submitters: Benign (5); Likely benign (3). Last evaluated 2026-08-01.

Conditions:
Baraitser-Winter syndrome 1 (BRWS1). Also called: BARAITSER-WINTER SYNDROME 1, ATYPICAL; PACHYGYRIA, MENTAL RETARDATION, EPILEPSY, AND CHARACTERISTIC FACIES; MENTAL RETARDATION WITH EPILEPSY AND CHARACTERISTIC FACIES; Cerebrofrontofacial syndrome. Identifiers: Orphanet 2649, Orphanet 2995, MedGen C1855722, MONDO:0009470, OMIM 243310.
Developmental malformations-deafness-dystonia syndrome (DDS1). Identifiers: Orphanet 79107, MedGen C5848323, MONDO:0011823, OMIM 607371.

Allele frequency attached by ClinVar (database versions not stated): gnomAD exomes 0.00023 and 0.00065; ExAC 0.00073; gnomAD 0.00251 and 0.00269; TOPMed 0.00289; ESP Exome Variant Server 0.00315; 1000 Genomes Project 0.00359; 1000 Genomes Project 30x 0.00359.
gnomAD v4.1: 722 of 1,612,984 alleles (0.045%); highest among the groups gnomAD compares: African/African-American, 0.87%; 5 homozygotes.

Submissions (8):

CeGaT Center for Human Genetics Tuebingen
Classification: Likely benign. Last evaluated: 2026-08-01. Review status: criteria provided, single submitter. Criteria: CeGaT Center For Human Genetics Tuebingen Variant Classification Criteria Version 2. Collection method: clinical testing. Allele origin: germline. Affected: yes. Observed: 2 variant alleles.
Comment: ACTB: BP4, BS1

Labcorp Genetics (formerly Invitae), Labcorp
Classification: Benign for Baraitser-Winter syndrome 1. Last evaluated: 2026-01-22. Review status: criteria provided, single submitter. Criteria: Invitae Variant Classification Sherloc (09022015). Collection method: clinical testing. Allele origin: germline.

Mayo Clinic Laboratories, Mayo Clinic
Classification: Likely benign. Last evaluated: 2025-04-02. Review status: criteria provided, single submitter. Criteria: ACMG Guidelines, 2015. Collection method: clinical testing. Allele origin: germline. Observed: 1 variant allele.
Comment: BS1, BP4, BP7

Blueprint Genetics
Classification: Likely benign. Last evaluated: 2024-10-07. Review status: criteria provided, single submitter. Criteria: ACMG Guidelines, 2015. Collection method: clinical testing. Allele origin: germline.

Genome-Nilou Lab
Classification: Benign for Baraitser-Winter syndrome 1. Last evaluated: 2021-12-05. Review status: criteria provided, single submitter. Criteria: ACMG Guidelines, 2015. Collection method: clinical testing. Allele origin: germline. Affected: no.

Genome-Nilou Lab
Classification: Benign for Developmental malformations-deafness-dystonia syndrome. Last evaluated: 2021-12-05. Review status: criteria provided, single submitter. Criteria: ACMG Guidelines, 2015. Collection method: clinical testing. Allele origin: germline. Affected: no.

Genetic Services Laboratory, University of Chicago
Classification: Benign. Last evaluated: 2017-04-21. Review status: criteria provided, single submitter. Criteria: ACMG Guidelines, 2015. Collection method: clinical testing. Allele origin: germline. Affected: no.

GeneDx
Classification: Benign. Last evaluated: 2016-12-01. Review status: criteria provided, single submitter. Criteria: GeneDx Variant Classification (06012015). Collection method: clinical testing. Allele origin: germline. Affected: yes.
Comment: This variant is considered likely benign or benign based on one or more of the following criteria: it is a conservative change, it occurs at a poorly conserved position in the protein, it is predicted to be benign by multiple in silico algorithms, and/or has population frequency not consistent with disease.